The following is an entry in ClinVar:

ClinVar aggregate classification (germline): Likely benign (1 of 4 stars; one submission).

gnomAD v4.1: 57 of 1,613,142 alleles (0.0035%); highest among the groups gnomAD compares: African/African-American, 0.038%; no homozygotes.

Submission:

CeGaT Center for Human Genetics Tuebingen
Classification: Likely benign. Last evaluated: 2026-06-01. Review status: criteria provided, single submitter. Criteria: CeGaT Center For Human Genetics Tuebingen Variant Classification Criteria Version 2. Collection method: clinical testing. Allele origin: germline. Affected: yes. Observed: 1 variant allele.
Comment: ZNF846: BP4, BP7

NM_001077624.3(ZNF846):c.1305G>A (p.Ser435=)

Gene: ZNF846 (zinc finger protein 846; minus strand). Cytogenetic location: 19p13.2.
Variant type: single nucleotide variant.
Coding change: c.1305G>A on transcript NM_001077624.3 (MANE Select); coding-DNA position 1305, G replaced by A.
Protein change: p.Ser435=; no amino-acid change (serine 435 retained).
Molecular consequence: synonymous variant. On other transcripts: intron variant (15).
Genome position (GRCh38, 1-based): chr19:9,757,772, C>T on the plus strand (G>A on the coding strand, the complement: ZNF846 is on the minus strand). VCF-style: chr19-9757772-C-T. GRCh37 (hg19) VCF-style: chr19-9868448-C-T.
Other names: c.918G>A, p.Ser306= (NM_001353798.2); c.1302G>A, p.Ser434= (NM_001353799.2); c.631+287G>A (NM_001395840.1, NM_001395839.1, NM_001395841.1 and 2 more transcripts); c.847+287G>A (NM_001395836.1, NM_001395837.1); c.1015+287G>A (NM_001353800.3); c.1018+287G>A (NM_001395831.1, NM_001395830.1, NM_001395832.1); c.910+287G>A (NM_001395833.1, NM_001395834.1); c.721+287G>A (NM_001395838.1); and 1 more.
Identifiers: ClinVar variation 4873897 (VCV004873897.2).